The following is an entry in ClinVar:

NM_001148.6(ANK2):c.8658A>G (p.Leu2886=)

Gene: ANK2 (ankyrin 2; plus strand). Cytogenetic location: 4q26.
Variant type: single nucleotide variant.
Coding change: c.8658A>G on transcript NM_001148.6 (MANE Select); coding-DNA position 8658, A replaced by G.
Protein change: p.Leu2886=; no amino-acid change (leucine 2886 retained).
Molecular consequence: synonymous variant. On other transcripts: intron variant (68).
Genome position (GRCh38, 1-based): chr4:113,357,276, A>G. VCF-style: chr4-113357276-A-G. GRCh37 (hg19) VCF-style: chr4-114278432-A-G.
Other names: c.8424A>G, p.Leu2808= (NM_001386142.1); c.5058A>G, p.Leu1686= (NM_001386166.1); c.8799A>G, p.Leu2933= (NM_001386174.1); c.8775A>G, p.Leu2925= (NM_001386175.1); c.4412-3547A>G (NM_001386186.2, NM_001386148.2); c.4214-3547A>G (NM_001354269.3); c.4292-3547A>G (NM_001386187.2); c.4253-3547A>G (NM_001386147.1); and 35 more.
Identifiers: ClinVar variation 263767 (VCV000263767.21), dbSNP rs149433267, ClinGen allele CA3051806.

ClinVar aggregate classification (germline): Benign/Likely benign. Review status: criteria provided, multiple submitters, no conflicts (2 of 4 stars). 7 submissions from 7 submitters: Benign (3); Likely benign (3). 1 of the submissions does not count toward it. Last evaluated 2026-01-07.

Conditions:
ANK2-related disorder. Also called: ANK2-related condition.
Cardiovascular phenotype. Identifiers: MedGen CN230736.
Long QT syndrome (LQTS). Identifiers: MedGen C0023976, MeSH D008133, MONDO:0002442. Disease mechanism: loss of function. Inheritance: Various modes of inheritance.
Cardiac arrhythmia, ankyrin-B-related. Also called: ANKYRIN-B SYNDROME. Identifiers: Orphanet 101016, Orphanet 768, MedGen C1970119, MONDO:0010958, OMIM 600919.

Allele frequency attached by ClinVar (database versions not stated): gnomAD exomes 0.00010 and 0.00031; ExAC 0.00040; 1000 Genomes Project 0.00100; 1000 Genomes Project 30x 0.00109; gnomAD 0.00121 and 0.00133; TOPMed 0.00136; ESP Exome Variant Server 0.00138.
gnomAD v4.1: 350 of 1,614,076 alleles (0.022%); highest among the groups gnomAD compares: African/African-American, 0.4%; 1 homozygote.

Submissions (7):

Labcorp Genetics (formerly Invitae), Labcorp
Classification: Benign for Long QT syndrome. Last evaluated: 2026-01-07. Review status: criteria provided, single submitter. Criteria: Invitae Variant Classification Sherloc (09022015). Collection method: clinical testing. Allele origin: germline.

Women's Health and Genetics/Laboratory Corporation of America, LabCorp
Classification: Benign. Last evaluated: 2025-06-07. Review status: criteria provided, single submitter. Criteria: LabCorp Variant Classification Summary - May 2015. Collection method: clinical testing. Allele origin: germline.

Blueprint Genetics
Classification: Likely benign. Last evaluated: 2024-08-21. Review status: criteria provided, single submitter. Criteria: ACMG Guidelines, 2015. Collection method: clinical testing. Allele origin: germline.

Genome-Nilou Lab
Classification: Benign for Cardiac arrhythmia, ankyrin-B-related. Last evaluated: 2021-12-05. Review status: criteria provided, single submitter. Criteria: ACMG Guidelines, 2015. Collection method: clinical testing. Allele origin: germline. Affected: no.

GeneDx
Classification: Likely benign. Last evaluated: 2020-10-14. Review status: criteria provided, single submitter. Criteria: GeneDx Variant Classification Process June 2021. Collection method: clinical testing. Allele origin: germline. Affected: yes.

Ambry Genetics
Classification: Likely benign for Cardiovascular phenotype. Last evaluated: 2015-08-07. Review status: criteria provided, single submitter. Criteria: Ambry Variant Classification Scheme 2023. Collection method: clinical testing. Allele origin: germline.

PreventionGenetics, part of Exact Sciences
Classification: Benign for ANK2-related condition. Last evaluated: 2019-11-19. Review status: no assertion criteria provided. Collection method: clinical testing. Allele origin: germline. Not counted in ClinVar's aggregate classification.
Comment: This variant is classified as benign based on ACMG/AMP sequence variant interpretation guidelines (Richards et al. 2015 PMID: 25741868, with internal and published modifications).